The following is an entry in ClinVar:

ClinVar aggregate classification (germline): Pathogenic/Likely pathogenic. Review status: criteria provided, multiple submitters, no conflicts (2 of 4 stars). 2 submissions from 2 submitters: Pathogenic (1); Likely pathogenic (1). Last evaluated 2022-08-09.

Conditions:
Early-infantile DEE. Also called: Early infantile epileptic encephalopathy; Ohtahara syndrome; Early infantile epileptic encephalopathy with suppression bursts. Identifiers: Orphanet 1934, MedGen C0393706, MONDO:0800491.
Severe myoclonic epilepsy in infancy (DRVT). Also called: DEVELOPMENTAL AND EPILEPTIC ENCEPHALOPATHY 6A; Severe Myoclonic Epilepsy in Infancy (SMEI); Dravet syndrome; Epileptic encephalopathy, early infantile, 6 (Dravet syndrome); SEVERE MYOCLONIC EPILEPSY OF INFANCY. Identifiers: Orphanet 33069, MedGen C0751122, MONDO:0100135, OMIM 607208.

Submissions (2):

Labcorp Genetics (formerly Invitae), Labcorp
Classification: Pathogenic for Early-infantile DEE. Last evaluated: 2022-08-09. Review status: criteria provided, single submitter. Criteria: Invitae Variant Classification Sherloc (09022015). Collection method: clinical testing. Allele origin: germline.
Comment: This sequence change replaces glycine, which is neutral and non-polar, with glutamic acid, which is acidic and polar, at codon 1754 of the SCN1A protein (p.Gly1754Glu). ClinVar contains an entry for this variant (Variation ID: 801789). This missense change has been observed in individual(s) with clinical features of SCN1A-related conditions (Invitae). In at least one individual the variant was observed to be de novo. This variant is not present in population databases (gnomAD no frequency). Advanced modeling of protein sequence and biophysical properties (such as structural, functional, and spatial information, amino acid conservation, physicochemical variation, residue mobility, and thermodynamic stability) performed at Invitae indicates that this missense variant is expected to disrupt SCN1A protein function. For these reasons, this variant has been classified as Pathogenic. This variant disrupts the p.Gly1754 amino acid residue in SCN1A. Other variant(s) that disrupt this residue have been observed in individuals with SCN1A-related conditions (PMID: 22071555), which suggests that this may be a clinically significant amino acid residue.

Mendelics
Classification: Likely pathogenic for Severe myoclonic epilepsy in infancy. Last evaluated: 2019-05-28. Review status: criteria provided, single submitter. Criteria: Mendelics Assertion Criteria 2017. Collection method: clinical testing. Allele origin: unknown.

Literature cited by the submitters: PubMed 22071555 (cited by Labcorp Genetics (formerly Invitae), Labcorp).

NM_001165963.4(SCN1A):c.5261G>A (p.Gly1754Glu)

Genes: SCN1A (sodium voltage-gated channel alpha subunit 1; minus strand), LOC102724058 (uncharacterized LOC102724058; plus strand). Cytogenetic location: 2q24.3.
Variant type: single nucleotide variant.
Coding change: c.5261G>A on transcript NM_001165963.4 (MANE Select); coding-DNA position 5261, G replaced by A.
Protein change: p.Gly1754Glu; replaces glycine 1754 with glutamic acid.
Molecular consequence: missense variant. On other transcripts: non-coding transcript variant (1).
Genome position (GRCh38, 1-based): chr2:165,992,014, C>T on the plus strand (G>A on the coding strand, the complement: SCN1A is on the minus strand). VCF-style: chr2-165992014-C-T. GRCh37 (hg19) VCF-style: chr2-166848524-C-T.
Other names: c.5177G>A, p.Gly1726Glu (NM_001165964.3, NM_001353957.2, NM_001353958.2); c.5261G>A, p.Gly1754Glu (NM_001202435.3, NM_001353948.2); c.5228G>A, p.Gly1743Glu (NM_001353949.2, NM_001353950.2, NM_001353951.2 and 2 more transcripts); c.5225G>A, p.Gly1742Glu (NM_001353954.2, NM_001353955.2); c.5174G>A, p.Gly1725Glu (NM_001353960.2); c.2819G>A, p.Gly940Glu (NM_001353961.2); short protein forms G1725E, G1726E, G1754E, G940E, G1743E, G1742E.
Identifiers: ClinVar variation 801789 (VCV000801789.14), dbSNP rs796053036, ClinGen allele CA349068336.